The following is an entry in ClinVar:

ClinVar aggregate classification (germline): Uncertain significance (1 of 4 stars; one submission).

Conditions:
PAK3-related disorder. Also called: PAK3-related condition.

Submission:

PreventionGenetics, part of Exact Sciences
Classification: Uncertain significance for PAK3-related condition. Last evaluated: 2022-11-15. Review status: criteria provided, single submitter. Criteria: ACMG Guidelines, 2015. Collection method: clinical testing. Allele origin: germline.
Comment: The PAK3 c.404A>G variant is predicted to result in the amino acid substitution p.Gln135Arg. To our knowledge, this variant has not been reported in the literature or in a large population database, indicating this variant is rare. At this time, the clinical significance of this variant is uncertain due to the absence of conclusive functional and genetic evidence.

NM_002578.5(PAK3):c.404A>G (p.Gln135Arg)

Gene: PAK3 (p21 (RAC1) activated kinase 3; plus strand). Cytogenetic location: Xq23.
Variant type: single nucleotide variant.
Coding change: c.404A>G on transcript NM_002578.5 (MANE Select); coding-DNA position 404, A replaced by G.
Protein change: p.Gln135Arg; replaces glutamine 135 with arginine.
Molecular consequence: missense variant. On other transcripts: non-coding transcript variant (2).
Genome position (GRCh38, 1-based): chrX:111,147,864, A>G. VCF-style: chrX-111147864-A-G. GRCh37 (hg19) VCF-style: chrX-110391092-A-G.
Other names: c.404A>G, p.Gln135Arg (NM_001128166.3, NM_001128167.3, NM_001324325.2 and 5 more transcripts); c.512A>G, p.Gln171Arg (NM_001128168.3); c.467A>G, p.Gln156Arg (NM_001128172.2); c.449A>G, p.Gln150Arg (NM_001128173.3, NM_001324327.2, NM_001324328.2 and 2 more transcripts); short protein forms Q135R, Q150R, Q156R, Q171R.
Identifiers: ClinVar variation 2635482 (VCV002635482.1), dbSNP rs2523453088, ClinGen allele CA414245002.